The following is an entry in ClinVar:

NM_000257.4(MYH7):c.1923C>A (p.Gly641=)

Gene: MYH7 (myosin heavy chain 7; minus strand). Cytogenetic location: 14q11.2.
Variant type: single nucleotide variant.
Coding change: c.1923C>A on transcript NM_000257.4 (MANE Select); coding-DNA position 1923, C replaced by A.
Protein change: p.Gly641=; no amino-acid change (glycine 641 retained).
Molecular consequence: synonymous variant.
Genome position (GRCh38, 1-based): chr14:23,427,273, G>T on the plus strand (C>A on the coding strand, the complement: MYH7 is on the minus strand). VCF-style: chr14-23427273-G-T. GRCh37 (hg19) VCF-style: chr14-23896482-G-T.
Other names: c.1923C>A, p.Gly641= (NM_001407004.1).
Identifiers: ClinVar variation 3074196 (VCV003074196.1), dbSNP rs1892729854, ClinGen allele CA485767118.

ClinVar aggregate classification (germline): Likely benign (1 of 4 stars; one submission).

Conditions:
Cardiomyopathy (CMYO). Also called: Cardiomyopathies. Identifiers: Orphanet 167848, MedGen C0878544, MONDO:0004994, HP:0001638. Inheritance: Various modes of inheritance.

gnomAD v4.1: 2 of 1,614,144 alleles (0.00012%); highest among the groups gnomAD compares: Non-Finnish European, 0.00017%; no homozygotes.

Submission:

All of Us Research Program, National Institutes of Health
Classification: Likely benign for Cardiomyopathy. Last evaluated: 2023-11-02. Review status: criteria provided, single submitter. Criteria: ACMG Guidelines, 2015. Collection method: clinical testing. Allele origin: germline. Inheritance: Autosomal dominant inheritance. Observed: 1 variant allele, 1 heterozygote.
Comment: This study involves interpretation of variants in research participants for the purpose of population health screening. Participant phenotype was not available at the time of variant classification. Additional details can be found in publication PMID: 35346344, PMCID: PMC8962531